The following is an entry in ClinVar:

NM_001077365.2(POMT1):c.427G>A (p.Glu143Lys)

Gene: POMT1 (protein O-mannosyltransferase 1; plus strand). Cytogenetic location: 9q34.13.
Variant type: single nucleotide variant.
Coding change: c.427G>A on transcript NM_001077365.2 (MANE Select); coding-DNA position 427, G replaced by A.
Protein change: p.Glu143Lys; replaces glutamic acid 143 with lysine.
Molecular consequence: missense variant. On other transcripts: non-coding transcript variant (9), intron variant (3).
Genome position (GRCh38, 1-based): chr9:131,507,514, G>A. VCF-style: chr9-131507514-G-A. GRCh37 (hg19) VCF-style: chr9-134382901-G-A.
Other names: c.265G>A, p.Glu89Lys (NM_001077366.2, NM_001353194.2, NM_001353197.2 and 3 more transcripts); c.427G>A, p.Glu143Lys (NM_001136113.2, NM_001353193.2, NM_001374690.1 and 1 more transcripts); c.76G>A, p.Glu26Lys (NM_001136114.2, NM_001353195.2, NM_001353199.2 and 2 more transcripts); c.337G>A, p.Glu113Lys (NM_001353196.2); c.-29-1397G>A (NM_001374695.1); c.-710+1061G>A (NM_001411024.1); c.-30+1061G>A (NM_001353200.2); short protein forms E113K, E26K, E143K, E89K.
Identifiers: ClinVar variation 2923478 (VCV002923478.3), dbSNP rs777149559, ClinGen allele CA5293260.
Genomic context (GRCh38, chr9:131,507,514, plus strand): 5'-GTGTTGGAGCTCCACTTTTCTCATTGTGCCGCCATGGGAGCTGCTCTGTTGATGCTTATC[G>A]GTAAGACCTGCGCCCCTGCCTGCTCTTGCTGTCATGCAGGGAAGAACTGACCCTTTGGCC-3'
Protein context (NP_001070833.1, residues 133-153): AMGAALLMLI[Glu143Lys]NALITQSRLM

ClinVar aggregate classification (germline): Pathogenic (1 of 4 stars; one submission).

Conditions:
Walker-Warburg congenital muscular dystrophy. Also called: Muscular dystrophy-dystroglycanopathy, type A; Walker-Warburg syndrome. Identifiers: Orphanet 899, MedGen C0265221, MONDO:0000171.
Muscular dystrophy-dystroglycanopathy (congenital with impaired intellectual development), type B, 1. Also called: MUSCULAR DYSTROPHY, CONGENITAL, POMT1-RELATED; Muscular dystrophy-dystroglycanopathy (congenital with intellectual disability), type B1. Identifiers: MedGen C5436962, MONDO:0013159, OMIM 613155.
Autosomal recessive limb-girdle muscular dystrophy type 2K. Also called: MUSCULAR DYSTROPHY-DYSTROGLYCANOPATHY (LIMB-GIRDLE), TYPE C, 1; MUSCULAR DYSTROPHY, LIMB-GIRDLE, TYPE 2K. Identifiers: Orphanet 86812, MedGen C1836373, MONDO:0012248, OMIM 609308.

Allele frequency attached by ClinVar (database versions not stated): ExAC 0.00001; gnomAD 0.00001; gnomAD exomes 0.00001; TOPMed 0.00002.
gnomAD v4.1: 4 of 1,613,958 alleles (0.00025%); highest among the groups gnomAD compares: East Asian, 0.0045%; no homozygotes.

Submission:

Labcorp Genetics (formerly Invitae), Labcorp
Classification: Pathogenic for Muscular dystrophy-dystroglycanopathy (congenital with impaired intellectual development), type B, 1; Walker-Warburg congenital muscular dystrophy; Autosomal recessive limb-girdle muscular dystrophy type 2K. Last evaluated: 2024-12-02. Review status: criteria provided, single submitter. Criteria: Invitae Variant Classification Sherloc (09022015). Collection method: clinical testing. Allele origin: germline.
Comment: This sequence change replaces glutamic acid, which is acidic and polar, with lysine, which is basic and polar, at codon 143 of the POMT1 protein (p.Glu143Lys). This variant also falls at the last nucleotide of exon 5, which is part of the consensus splice site for this exon. This variant is present in population databases (rs777149559, gnomAD 0.006%). This missense change has been observed in individuals with POMT1-related conditions (PMID: 16575835, 22323514, 27363342). ClinVar contains an entry for this variant (Variation ID: 2923478). An algorithm developed to predict the effect of missense changes on protein structure and function (PolyPhen-2) suggests that this variant is likely to be tolerated. Variants that disrupt the consensus splice site are a relatively common cause of aberrant splicing (PMID: 17576681, 9536098). Studies have shown that this missense change is associated with altered splicing resulting in 17559086 (multiple RNA products). For these reasons, this variant has been classified as Pathogenic.

Literature cited by the submitters: PubMed 16575835; PubMed 22323514; PubMed 27363342; PubMed 17576681; PubMed 9536098.